The following is an entry in ClinVar:

NM_002332.3(LRP1):c.1524C>T (p.Ser508=)

Gene: LRP1 (LDL receptor related protein 1; plus strand). Cytogenetic location: 12q13.3.
Variant type: single nucleotide variant.
Coding change: c.1524C>T on transcript NM_002332.3 (MANE Select); coding-DNA position 1524, C replaced by T.
Protein change: p.Ser508=; no amino-acid change (serine 508 retained).
Molecular consequence: synonymous variant.
Genome position (GRCh38, 1-based): chr12:57,156,883, C>T. VCF-style: chr12-57156883-C-T. GRCh37 (hg19) VCF-style: chr12-57550666-C-T.
Identifiers: ClinVar variation 3051825 (VCV003051825.3), dbSNP rs144836356, ClinGen allele CA6642561.

ClinVar aggregate classification (germline): Likely benign. Review status: criteria provided, single submitter (1 of 4 stars). 2 submissions from 2 submitters: Likely benign (1). 1 of the submissions does not count toward it. Last evaluated 2024-10-22.

Conditions:
LRP1-related disorder. Also called: LRP1-related condition.

Allele frequency attached by ClinVar (database versions not stated): gnomAD 0.00018; TOPMed 0.00019; ESP Exome Variant Server 0.00031; 1000 Genomes Project 30x 0.00047; 1000 Genomes Project 0.00060.
gnomAD v4.1: 524 of 1,593,826 alleles (0.033%); highest among the groups gnomAD compares: Non-Finnish European, 0.042%; no homozygotes.

Submissions (2):

Blueprint Genetics
Classification: Likely benign. Last evaluated: 2024-10-22. Review status: criteria provided, single submitter. Criteria: ACMG Guidelines, 2015. Collection method: clinical testing. Allele origin: germline.

PreventionGenetics, part of Exact Sciences
Classification: Likely benign for LRP1-related condition. Last evaluated: 2019-04-05. Review status: no assertion criteria provided. Collection method: clinical testing. Allele origin: germline. Not counted in ClinVar's aggregate classification.
Comment: This variant is classified as likely benign based on ACMG/AMP sequence variant interpretation guidelines (Richards et al. 2015 PMID: 25741868, with internal and published modifications).